The following is an entry in ClinVar:

ClinVar aggregate classification (germline): Pathogenic. Review status: criteria provided, single submitter (1 of 4 stars). 2 submissions from 2 submitters: Pathogenic (1). 1 of the submissions does not count toward it. Last evaluated 2025-12-03.

Conditions:
Retinal dystrophy. Also called: Inherited retinal dystrophy. Identifiers: Orphanet 71862, MedGen C0854723, MeSH D058499, MONDO:0019118, HP:0000556.
Primary ciliary dyskinesia. Also called: Ciliary dyskinesia. Identifiers: Orphanet 244, MedGen C0008780, MONDO:0016575, HP:0012265.

Submissions (2):

Labcorp Genetics (formerly Invitae), Labcorp
Classification: Pathogenic for Primary ciliary dyskinesia. Last evaluated: 2025-12-03. Review status: criteria provided, single submitter. Criteria: Invitae Variant Classification Sherloc (09022015). Collection method: clinical testing. Allele origin: germline.
Comment: This sequence change affects an acceptor splice site in intron 5 of the RPGR gene. It is expected to disrupt RNA splicing. Variants that disrupt the donor or acceptor splice site typically lead to a loss of protein function (PMID: 16199547), and loss-of-function variants in RPGR are known to be pathogenic (PMID: 16055928, 16969763). This variant is not present in population databases (gnomAD no frequency). Disruption of this splice site has been observed in individual(s) with clinical features of retinitis pigmentosa (PMID: 30313097, 38219857). It has also been observed to segregate with disease in related individuals. ClinVar contains an entry for this variant (Variation ID: 3249064). Algorithms developed to predict the effect of sequence changes on RNA splicing suggest that this variant may disrupt the consensus splice site. For these reasons, this variant has been classified as Pathogenic.

Institute of Human Genetics, Univ. Regensburg, Univ. Regensburg
Classification: Pathogenic for Retinal dystrophy. Last evaluated: 2022-01-01. Review status: no assertion criteria provided. Criteria: ACMG Guidelines, 2015. Collection method: clinical testing. Allele origin: germline. Affected: yes. Not counted in ClinVar's aggregate classification.

Literature cited by the submitters: PubMed 16199547 (cited by Labcorp Genetics (formerly Invitae), Labcorp); PubMed 16055928 (cited by Labcorp Genetics (formerly Invitae), Labcorp); PubMed 16969763 (cited by Labcorp Genetics (formerly Invitae), Labcorp); PubMed 30313097 (cited by Labcorp Genetics (formerly Invitae), Labcorp); PubMed 38219857 (cited by Labcorp Genetics (formerly Invitae), Labcorp).

NM_001034853.2(RPGR):c.470-2A>G

Gene: RPGR (retinitis pigmentosa GTPase regulator; minus strand). Cytogenetic location: Xp11.4.
Variant type: single nucleotide variant.
Coding change: c.470-2A>G on transcript NM_001034853.2 (MANE Select); the canonical splice acceptor site of the intron before coding-DNA position 470, A replaced by G.
Molecular consequence: splice acceptor variant.
Genome position (GRCh38, 1-based): chrX:38,317,467, T>C on the plus strand (A>G on the coding strand, the complement: RPGR is on the minus strand). VCF-style: chrX-38317467-T-C. GRCh37 (hg19) VCF-style: chrX-38176720-T-C.
Other names: c.467-2A>G (NM_001367249.1); c.470-2A>G (NM_001367250.1, NM_001367245.1, NM_001367251.1 and 3 more transcripts); c.500-2A>G (NM_001367248.1).
Identifiers: ClinVar variation 3249064 (VCV003249064.2).
Genomic context (GRCh38, chrX:38,317,467, plus strand): 5'-ATTTTTTAAACCAATTTGCCCTTCGGAATTGTCACCCCACATAAAAAGTCTTCCATCCTC[T>C]ATAAAGAAAAATAAAAGGGGGAGAAAAGGTTTTAAAAGGTAGCCAGGCTCTGAAGCTATT-3'